The following is an entry in ClinVar:

ClinVar aggregate classification (germline): Conflicting classifications of pathogenicity. Review status: criteria provided, conflicting classifications (1 of 4 stars). 2 submissions from 2 submitters: Uncertain significance (1); Likely benign (1). Last evaluated 2025-11-10.

Conditions:
Multiple endocrine neoplasia, type 2 (MEN2). Identifiers: Orphanet 653, MedGen C4048306, MONDO:0019003. Disease mechanism: gain of function.
Hereditary cancer-predisposing syndrome. Also called: Neoplastic Syndromes, Hereditary; Tumor predisposition; Hereditary Cancer Syndrome; Hereditary neoplastic syndrome. Identifiers: Orphanet 140162, MedGen C0027672, MeSH D009386, MONDO:0015356.

gnomAD v4.1: 3 of 1,554,850 alleles (0.00019%); highest among the groups gnomAD compares: South Asian, 0.0036%; no homozygotes.

Submissions (2):

Labcorp Genetics (formerly Invitae), Labcorp
Classification: Likely benign for Multiple endocrine neoplasia, type 2. Last evaluated: 2025-11-10. Review status: criteria provided, single submitter. Criteria: Invitae Variant Classification Sherloc (09022015). Collection method: clinical testing. Allele origin: germline.

Ambry Genetics
Classification: Uncertain significance for Hereditary cancer-predisposing syndrome. Last evaluated: 2024-08-06. Review status: criteria provided, single submitter. Criteria: Ambry Variant Classification Scheme 2023. Collection method: clinical testing. Allele origin: germline.
Comment: The c.1638A>G variant (also known as p.G546G), located in coding exon 8 of the RET gene, results from an A to G substitution at nucleotide position 1638. This nucleotide substitution does not change the glycine at codon 546. This nucleotide position is not well conserved in available vertebrate species. In silico splice site analysis for this alteration is inconclusive. Based on the available evidence, the clinical significance of this variant remains unclear.

NM_020975.6(RET):c.1638A>G (p.Gly546=)

Gene: RET (ret proto-oncogene; plus strand). Cytogenetic location: 10q11.21.
Variant type: single nucleotide variant.
Coding change: c.1638A>G on transcript NM_020975.6 (MANE Select); coding-DNA position 1638, A replaced by G.
Protein change: p.Gly546=; no amino-acid change (glycine 546 retained).
Molecular consequence: synonymous variant.
Genome position (GRCh38, 1-based): chr10:43,112,214, A>G. VCF-style: chr10-43112214-A-G. GRCh37 (hg19) VCF-style: chr10-43607662-A-G.
Other names: c.876A>G, p.Gly292= (NM_001355216.2); c.1638A>G, p.Gly546= (NM_001406743.1, NM_001406744.1, NM_001406759.1 and 4 more transcripts); c.1509A>G, p.Gly503= (NM_001406761.1, NM_001406762.1, NM_001406764.1 and 1 more transcripts); c.1350A>G, p.Gly450= (NM_001406766.1, NM_001406767.1, NM_001406770.1); c.1242A>G, p.Gly414= (NM_001406769.1, NM_001406772.1); c.1200A>G, p.Gly400= (NM_001406771.1, NM_001406773.1); c.1113A>G, p.Gly371= (NM_001406774.1); c.912A>G, p.Gly304= (NM_001406775.1, NM_001406776.1, NM_001406777.1 and 1 more transcripts); and 5 more.
Identifiers: ClinVar variation 3432223 (VCV003432223.2).